The following is an entry in ClinVar:

NM_020919.4(ALS2):c.2024C>G (p.Ala675Gly)

Gene: ALS2 (alsin Rho guanine nucleotide exchange factor ALS2; minus strand). Cytogenetic location: 2q33.1.
Variant type: single nucleotide variant.
Coding change: c.2024C>G on transcript NM_020919.4 (MANE Select); coding-DNA position 2024, C replaced by G.
Protein change: p.Ala675Gly; replaces alanine 675 with glycine.
Molecular consequence: missense variant.
Genome position (GRCh38, 1-based): chr2:201,744,404, G>C on the plus strand (C>G on the coding strand, the complement: ALS2 is on the minus strand). VCF-style: chr2-201744404-G-C. GRCh37 (hg19) VCF-style: chr2-202609127-G-C.
Other names: short protein forms A675G.
Identifiers: ClinVar variation 1428213 (VCV001428213.6), dbSNP rs201232912, ClinGen allele CA350325206.

ClinVar aggregate classification (germline): Uncertain significance (1 of 4 stars; one submission).

Conditions:
Infantile-onset ascending hereditary spastic paralysis (IAHSP). Also called: Autosomal Recessive Juvenile Amyotrophic Lateral Sclerosis; Infantile-Onset Ascending Hereditary Spastic Paralysis (IAHSP). Identifiers: Orphanet 293168, MedGen C2931441, MONDO:0011797, OMIM 607225. Disease mechanism: loss of function.

gnomAD v4.1: 1 of 1,613,972 alleles (0.000062%); highest among the groups gnomAD compares: Non-Finnish European, 0.000085%; no homozygotes.

Submission:

Labcorp Genetics (formerly Invitae), Labcorp
Classification: Uncertain significance for Infantile-onset ascending hereditary spastic paralysis. Last evaluated: 2021-11-24. Review status: criteria provided, single submitter. Criteria: Invitae Variant Classification Sherloc (09022015). Collection method: clinical testing. Allele origin: germline.
Comment: This variant has not been reported in the literature in individuals affected with ALS2-related conditions. In summary, the available evidence is currently insufficient to determine the role of this variant in disease. Therefore, it has been classified as a Variant of Uncertain Significance. Algorithms developed to predict the effect of missense changes on protein structure and function (SIFT, PolyPhen-2, Align-GVGD) all suggest that this variant is likely to be tolerated. This variant is not present in population databases (gnomAD no frequency). This sequence change replaces alanine, which is neutral and non-polar, with glycine, which is neutral and non-polar, at codon 675 of the ALS2 protein (p.Ala675Gly).